The following is an entry in ClinVar:

NM_000548.5(TSC2):c.4592T>C (p.Val1531Ala)

Gene: TSC2 (TSC complex subunit 2; plus strand). Cytogenetic location: 16p13.3.
Variant type: single nucleotide variant.
Coding change: c.4592T>C on transcript NM_000548.5 (MANE Select); coding-DNA position 4592, T replaced by C.
Protein change: p.Val1531Ala; replaces valine 1531 with alanine.
Molecular consequence: missense variant.
Genome position (GRCh38, 1-based): chr16:2,085,252, T>C. VCF-style: chr16-2085252-T-C. GRCh37 (hg19) VCF-style: chr16-2135253-T-C.
Other names: c.4391T>C, p.Val1464Ala (NM_001077183.3); c.4523T>C, p.Val1508Ala (NM_001114382.3); c.4283T>C, p.Val1428Ala (NM_001318827.2); c.4247T>C, p.Val1416Ala (NM_001318829.2); c.3860T>C, p.Val1287Ala (NM_001318831.2); c.4424T>C, p.Val1475Ala (NM_001318832.2); c.4394T>C, p.Val1465Ala (NM_001363528.2); c.4460T>C, p.Val1487Ala (NM_001370404.1); and 1 more; short protein forms V1287A, V1416A, V1428A, V1464A, V1465A, V1475A, V1487A, V1488A.
Identifiers: ClinVar variation 1061534 (VCV001061534.9), dbSNP rs2090623543, ClinGen allele CA394304503.

ClinVar aggregate classification (germline): Uncertain significance (1 of 4 stars; one submission).

Conditions:
Tuberous sclerosis 2 (TSC2). Identifiers: Orphanet 805, MedGen C1860707, MONDO:0013199, OMIM 613254.

Allele frequency attached by ClinVar (database versions not stated): gnomAD exomes below 0.00001; TOPMed below 0.00001.

Submission:

Labcorp Genetics (formerly Invitae), Labcorp
Classification: Uncertain significance for Tuberous sclerosis 2. Last evaluated: 2025-06-11. Review status: criteria provided, single submitter. Criteria: Invitae Variant Classification Sherloc (09022015). Collection method: clinical testing. Allele origin: germline.
Comment: This sequence change replaces valine, which is neutral and non-polar, with alanine, which is neutral and non-polar, at codon 1531 of the TSC2 protein (p.Val1531Ala). This variant is not present in population databases (gnomAD no frequency). This variant has not been reported in the literature in individuals affected with TSC2-related conditions. ClinVar contains an entry for this variant (Variation ID: 1061534). Invitae Evidence Modeling of protein sequence and biophysical properties (such as structural, functional, and spatial information, amino acid conservation, physicochemical variation, residue mobility, and thermodynamic stability) indicates that this missense variant is not expected to disrupt TSC2 protein function with a negative predictive value of 95%. In summary, the available evidence is currently insufficient to determine the role of this variant in disease. Therefore, it has been classified as a Variant of Uncertain Significance.